The following is an entry in ClinVar:

ClinVar aggregate classification (germline): Uncertain significance (1 of 4 stars; one submission).

Submission:

Labcorp Genetics (formerly Invitae), Labcorp
Classification: Uncertain significance. Last evaluated: 2025-09-15. Review status: criteria provided, single submitter. Criteria: Invitae Variant Classification Sherloc (09022015). Collection method: clinical testing. Allele origin: germline.
Comment: This sequence change replaces glutamic acid, which is acidic and polar, with aspartic acid, which is acidic and polar, at codon 344 of the COL18A1 protein (p.Glu344Asp). This variant is present in population databases (no rsID available, gnomAD 0.004%). This variant has not been reported in the literature in individuals affected with COL18A1-related conditions. ClinVar contains an entry for this variant (Variation ID: 1965152). Experimental studies and prediction algorithms are not available or were not evaluated, and the functional significance of this variant is currently unknown. In summary, the available evidence is currently insufficient to determine the role of this variant in disease. Therefore, it has been classified as a Variant of Uncertain Significance.

NM_001379500.1(COL18A1):c.1032G>C (p.Glu344Asp)

Gene: COL18A1 (collagen type XVIII alpha 1 chain; plus strand). Cytogenetic location: 21q22.3.
Variant type: single nucleotide variant.
Coding change: c.1032G>C on transcript NM_001379500.1 (MANE Select); coding-DNA position 1032, G replaced by C.
Protein change: p.Glu344Asp; replaces glutamic acid 344 with aspartic acid.
Molecular consequence: missense variant.
Genome position (GRCh38, 1-based): chr21:45,477,776, G>C. VCF-style: chr21-45477776-G-C. GRCh37 (hg19) VCF-style: chr21-46897690-G-C.
Other names: c.1572G>C, p.Glu524Asp (NM_030582.4); c.2277G>C, p.Glu759Asp (NM_130444.3); short protein forms E344D, E759D, E524D.
Identifiers: ClinVar variation 1965152 (VCV001965152.3), dbSNP rs1181681047, ClinGen allele CA410515233.